The following is an entry in ClinVar:

ClinVar aggregate classification (germline): Likely benign (1 of 4 stars; one submission).

Allele frequency attached by ClinVar (database versions not stated): 1000 Genomes Project 30x 0.00125; 1000 Genomes Project 0.00160; gnomAD 0.00327; ExAC 0.00332; ESP Exome Variant Server 0.00469.
gnomAD v4.1: 8,619 of 1,606,138 alleles (0.54%); highest among the groups gnomAD compares: Middle Eastern, 1%; 37 homozygotes.

Submission:

CeGaT Center for Human Genetics Tuebingen
Classification: Likely benign. Last evaluated: 2022-04-01. Review status: criteria provided, single submitter. Criteria: CeGaT Center For Human Genetics Tuebingen Variant Classification Criteria Version 2. Collection method: clinical testing. Allele origin: germline. Affected: yes. Observed: 1 variant allele.
Comment: ANKS3: BP4, BP7

NM_133450.4(ANKS3):c.1821C>T (p.Gly607=)

Gene: ANKS3 (ankyrin repeat and sterile alpha motif domain containing 3; minus strand). Cytogenetic location: 16p13.3.
Variant type: single nucleotide variant.
Coding change: c.1821C>T on transcript NM_133450.4 (MANE Select); coding-DNA position 1821, C replaced by T.
Protein change: p.Gly607=; no amino-acid change (glycine 607 retained).
Molecular consequence: synonymous variant. On other transcripts: non-coding transcript variant (1).
Genome position (GRCh38, 1-based): chr16:4,697,406, G>A on the plus strand (C>T on the coding strand, the complement: ANKS3 is on the minus strand). VCF-style: chr16-4697406-G-A. GRCh37 (hg19) VCF-style: chr16-4747407-G-A.
Other names: c.1500C>T, p.Gly500= (NM_001242929.2); c.1434C>T, p.Gly478= (NM_001308089.2); c.1302C>T, p.Gly434= (NM_001324129.2); c.951C>T, p.Gly317= (NM_001324130.2).
Identifiers: ClinVar variation 2646157 (VCV002646157.24), dbSNP rs146041043, ClinGen allele CA7879492.
Genomic context (GRCh38, chr16:4,697,406, plus strand): 5'-ACGGTCCTCCAGGGCTCCCGAGAGCTCGGGGAGGCTCATGGCCTGCAGGGACGCTTGCCA[G>A]CCCTTGGAGTCTGTGGTGCAGGTGCAGGGACCGAGTTAGCTGGGGGTCTGCGTCCCCACA-3'
Protein context (NP_597707.1, residues 597-617): GLAVPPADSK[Gly607=]WQASLQAMSL